The following is an entry in ClinVar:

ClinVar aggregate classification (germline): Uncertain significance. Review status: criteria provided, multiple submitters, no conflicts (2 of 4 stars). 5 submissions from 5 submitters: Uncertain significance (5). Last evaluated 2024-06-24.

Conditions:
Breast and/or ovarian cancer. Identifiers: MedGen CN221562.
Hereditary cancer-predisposing syndrome. Also called: Tumor predisposition; Neoplastic Syndromes, Hereditary; Hereditary Cancer Syndrome; Hereditary neoplastic syndrome. Identifiers: Orphanet 140162, MedGen C0027672, MeSH D009386, MONDO:0015356.
Hereditary diffuse gastric adenocarcinoma (HDGC). Also called: DIFFUSE GASTRIC AND LOBULAR BREAST CANCER SYNDROME. Identifiers: Orphanet 26106, MedGen C1708349, MONDO:0007648, OMIM 137215.

Allele frequency attached by ClinVar (database versions not stated): gnomAD exomes below 0.00001.
gnomAD v4.1: 5 of 1,614,206 alleles (0.00031%); highest among the groups gnomAD compares: Non-Finnish European, 0.00042%; no homozygotes.

Submissions (5):

GeneDx
Classification: Uncertain significance. Last evaluated: 2024-06-24. Review status: criteria provided, single submitter. Criteria: GeneDx Variant Classification Process June 2021. Collection method: clinical testing. Allele origin: germline. Affected: yes.
Comment: Not observed at significant frequency in large population cohorts (gnomAD); In silico analysis supports that this missense variant has a deleterious effect on protein structure/function; Observed in an individual with an unspecified cancer and a family history of cancer (PMID: 34326862); This variant is associated with the following publications: (PMID: 15235021, 22850631, 34326862)

Ambry Genetics
Classification: Uncertain significance for Hereditary cancer-predisposing syndrome. Last evaluated: 2024-01-22. Review status: criteria provided, single submitter. Criteria: Ambry Variant Classification Scheme 2023. Collection method: clinical testing. Allele origin: germline.
Comment: The p.V475A variant (also known as c.1424T>C), located in coding exon 10 of the CDH1 gene, results from a T to C substitution at nucleotide position 1424. The valine at codon 475 is replaced by alanine, an amino acid with similar properties. This amino acid position is highly conserved in available vertebrate species. In addition, the in silico prediction for this alteration is inconclusive. Since supporting evidence is limited at this time, the clinical significance of this alteration remains unclear.

Labcorp Genetics (formerly Invitae), Labcorp
Classification: Uncertain significance for Hereditary diffuse gastric adenocarcinoma. Last evaluated: 2023-12-08. Review status: criteria provided, single submitter. Criteria: Invitae Variant Classification Sherloc (09022015). Collection method: clinical testing. Allele origin: germline.
Comment: This sequence change replaces valine, which is neutral and non-polar, with alanine, which is neutral and non-polar, at codon 475 of the CDH1 protein (p.Val475Ala). This variant is not present in population databases (gnomAD no frequency). This variant has not been reported in the literature in individuals affected with CDH1-related conditions. ClinVar contains an entry for this variant (Variation ID: 406618). An algorithm developed to predict the effect of missense changes on protein structure and function (PolyPhen-2) suggests that this variant is likely to be disruptive. In summary, the available evidence is currently insufficient to determine the role of this variant in disease. Therefore, it has been classified as a Variant of Uncertain Significance.

Color Diagnostics, LLC DBA Color Health
Classification: Uncertain significance for Hereditary cancer-predisposing syndrome. Last evaluated: 2023-12-04. Review status: criteria provided, single submitter. Criteria: ACMG Guidelines, 2015. Collection method: clinical testing. Allele origin: germline.
Comment: This missense variant replaces valine with alanine at codon 475 of the CDH1 protein. To our knowledge, functional studies have not been reported for this variant. This variant has not been reported in individuals affected with hereditary cancer in the literature. This variant has not been identified in the general population by the Genome Aggregation Database (gnomAD). The available evidence is insufficient to determine the role of this variant in disease conclusively. Therefore, this variant is classified as a Variant of Uncertain Significance.

CHEO Genetics Diagnostic Laboratory, Children's Hospital of Eastern Ontario
Classification: Uncertain significance for Breast and/or ovarian cancer. Last evaluated: 2021-05-05. Review status: criteria provided, single submitter. Criteria: ACMG Guidelines, 2015. Collection method: clinical testing. Allele origin: germline.

NM_004360.5(CDH1):c.1424T>C (p.Val475Ala)

Gene: CDH1 (cadherin 1; plus strand). Cytogenetic location: 16q22.1.
Variant type: single nucleotide variant.
Coding change: c.1424T>C on transcript NM_004360.5 (MANE Select); coding-DNA position 1424, T replaced by C.
Protein change: p.Val475Ala; replaces valine 475 with alanine.
Molecular consequence: missense variant. On other transcripts: 5 prime UTR variant (2).
Genome position (GRCh38, 1-based): chr16:68,815,618, T>C. VCF-style: chr16-68815618-T-C. GRCh37 (hg19) VCF-style: chr16-68849521-T-C.
Other names: c.1424T>C (LRG_301t1); c.1241T>C, p.Val414Ala (NM_001317184.2); c.-125T>C (NM_001317185.2); c.-396T>C (NM_001317186.2); short protein forms V475A, V414A.
Identifiers: ClinVar variation 406618 (VCV000406618.17), dbSNP rs1060501217, ClinGen allele CA16614978.